The following is an entry in ClinVar:

ClinVar aggregate classification (germline): Pathogenic (1 of 4 stars; one submission).

Conditions:
Duchenne muscular dystrophy (DMD). Also called: MUSCULAR DYSTROPHY, PSEUDOHYPERTROPHIC PROGRESSIVE, DUCHENNE TYPE; Duchenne Muscular Dystrophy (DMD). Identifiers: Orphanet 98896, MedGen C0013264, MONDO:0010679, OMIM 310200.

Submission:

Labcorp Genetics (formerly Invitae), Labcorp
Classification: Pathogenic for Duchenne muscular dystrophy. Last evaluated: 2023-10-17. Review status: criteria provided, single submitter. Criteria: Invitae Variant Classification Sherloc (09022015). Collection method: clinical testing. Allele origin: unknown.
Comment: This variant is a gross deletion of the genomic region encompassing exon(s) 8-49 of the DMD gene. This deletion is out-of-frame, and is expected to create a premature termination codon and result in an absent or disrupted protein product. Loss-of-function variants in DMD are known to be pathogenic (PMID: 16770791, 25007885). This variant has not been reported in the literature in individuals affected with DMD-related conditions. For these reasons, this variant has been classified as Pathogenic.

Literature cited by the submitters: PubMed 16770791; PubMed 25007885.

NC_000023.10:g.(?_31854815)_(32756908_?)del

Gene: DMD (dystrophin; minus strand). Cytogenetic location: Xp21.1.
Variant type: Deletion.
Identifiers: ClinVar variation 3242635 (VCV003242635.1).